The following is an entry in ClinVar:

ClinVar aggregate classification (germline): Uncertain significance (1 of 4 stars; one submission).

Conditions:
Progressive familial heart block type IB (PFHB1B). Identifiers: Orphanet 871, MedGen C1970298, MONDO:0011474, OMIM 604559.

Submission:

Labcorp Genetics (formerly Invitae), Labcorp
Classification: Uncertain significance for Progressive familial heart block type IB. Last evaluated: 2025-05-27. Review status: criteria provided, single submitter. Criteria: Invitae Variant Classification Sherloc (09022015). Collection method: clinical testing. Allele origin: germline.
Comment: This sequence change replaces alanine, which is neutral and non-polar, with serine, which is neutral and polar, at codon 466 of the TRPM4 protein (p.Ala466Ser). This variant is not present in population databases (gnomAD no frequency). This variant has not been reported in the literature in individuals affected with TRPM4-related conditions. An algorithm developed to predict the effect of missense changes on protein structure and function (PolyPhen-2) suggests that this variant is likely to be tolerated. In summary, the available evidence is currently insufficient to determine the role of this variant in disease. Therefore, it has been classified as a Variant of Uncertain Significance.

NM_017636.4(TRPM4):c.1396G>T (p.Ala466Ser)

Gene: TRPM4 (transient receptor potential cation channel subfamily M member 4; plus strand). Cytogenetic location: 19q13.33.
Variant type: single nucleotide variant.
Coding change: c.1396G>T on transcript NM_017636.4 (MANE Select); coding-DNA position 1396, G replaced by T.
Protein change: p.Ala466Ser; replaces alanine 466 with serine.
Molecular consequence: missense variant. On other transcripts: 5 prime UTR variant (1).
Genome position (GRCh38, 1-based): chr19:49,182,710, G>T. VCF-style: chr19-49182710-G-T. GRCh37 (hg19) VCF-style: chr19-49685967-G-T.
Other names: c.1396G>T, p.Ala466Ser (NM_001195227.2); c.1051G>T, p.Ala351Ser (NM_001321281.2); c.-158G>T (NM_001321282.2); c.874G>T, p.Ala292Ser (NM_001321283.2); c.334G>T, p.Ala112Ser (NM_001321285.2); short protein forms A351S, A112S, A292S, A466S.
Identifiers: ClinVar variation 4749081 (VCV004749081.1).
Genomic context (GRCh38, chr19:49,182,710, plus strand): 5'-TCCCACGGCCTCAGCCTGGGCCACTTCCTGACCCCGATGCGCCTGGCCCAACTCTACAGC[G>T]CGGCGCCCTCCAACTCGCTCATCCGCAACCTTTTGGACCAGGCGTCCCACAGCGCAGGCA-3'
Protein context (NP_060106.2, residues 456-476): TPMRLAQLYS[Ala466Ser]APSNSLIRNL